The following is an entry in ClinVar:

ClinVar aggregate classification (germline): Uncertain significance (1 of 4 stars; one submission).

Conditions:
Familial melanoma. Also called: Hereditary melanoma; Hereditary cutaneous melanoma. Identifiers: Orphanet 618, MedGen C1512419, MONDO:0018961.

Allele frequency attached by ClinVar (database versions not stated): TOPMed below 0.00001.

Submission:

Labcorp Genetics (formerly Invitae), Labcorp
Classification: Uncertain significance for Familial melanoma. Last evaluated: 2020-11-21. Review status: criteria provided, single submitter. Criteria: Invitae Variant Classification Sherloc (09022015). Collection method: clinical testing. Allele origin: germline.
Comment: This sequence change replaces glutamic acid with glycine at codon 67 of the CDK4 protein (p.Glu67Gly). The glutamic acid residue is moderately conserved and there is a moderate physicochemical difference between glutamic acid and glycine. This variant is not present in population databases (ExAC no frequency). This variant has not been reported in the literature in individuals with CDK4-related conditions. Advanced modeling of protein sequence and biophysical properties (such as structural, functional, and spatial information, amino acid conservation, physicochemical variation, residue mobility, and thermodynamic stability) performed at Invitae indicates that this missense variant is not expected to disrupt CDK4 protein function. In summary, the available evidence is currently insufficient to determine the role of this variant in disease. Therefore, it has been classified as a Variant of Uncertain Significance.

NM_000075.4(CDK4):c.200A>G (p.Glu67Gly)

Genes: CDK4 (cyclin dependent kinase 4; minus strand), LOC130008148 (ATAC-STARR-seq lymphoblastoid silent region 4588; plus strand). Cytogenetic location: 12q14.1.
Variant type: single nucleotide variant.
Coding change: c.200A>G on transcript NM_000075.4 (MANE Select); coding-DNA position 200, A replaced by G.
Protein change: p.Glu67Gly; replaces glutamic acid 67 with glycine.
Molecular consequence: missense variant.
Genome position (GRCh38, 1-based): chr12:57,751,518, T>C on the plus strand (A>G on the coding strand, the complement: CDK4 is on the minus strand). VCF-style: chr12-57751518-T-C. GRCh37 (hg19) VCF-style: chr12-58145301-T-C.
Other names: short protein forms E67G.
Identifiers: ClinVar variation 1391530 (VCV001391530.8), dbSNP rs1955236749, ClinGen allele CA385548488.